The following is an entry in ClinVar:

NM_001378183.1(PIEZO2):c.2725G>C (p.Glu909Gln)

Gene: PIEZO2 (piezo type mechanosensitive ion channel component 2; minus strand). Cytogenetic location: 18p11.22.
Variant type: single nucleotide variant.
Coding change: c.2725G>C on transcript NM_001378183.1 (MANE Select); coding-DNA position 2725, G replaced by C.
Protein change: p.Glu909Gln; replaces glutamic acid 909 with glutamine.
Molecular consequence: missense variant.
Genome position (GRCh38, 1-based): chr18:10,773,472, C>G on the plus strand (G>C on the coding strand, the complement: PIEZO2 is on the minus strand). VCF-style: chr18-10773472-C-G. GRCh37 (hg19) VCF-style: chr18-10773470-C-G.
Other names: c.2725G>C, p.Glu909Gln (NM_001410871.1); c.2650G>C, p.Glu884Gln (NM_022068.4); c.2650G>C (NM_022068.3, NM_022068.2); short protein forms E909Q, E884Q.
Identifiers: ClinVar variation 2911813 (VCV002911813.5), dbSNP rs369232281, ClinGen allele CA295993615.
Genomic context (GRCh38, chr18:10,773,472, plus strand): 5'-CTGATGTTTCTTCCTCCTCCTCGGATTCCTCCTCTTCCTCTCCGTCCTCCTCTGACTCCT[C>G]GCTGTCTTTCCCAAGATCACCCTTCTGGGCTTTTTCAGAGTAGCCCTCAAGCTTCTCCTC-3'
Protein context (NP_001365112.1, residues 899-919): AQKGDLGKDS[Glu909Gln]ESEEDGEEEE

ClinVar aggregate classification (germline): Uncertain significance. Review status: criteria provided, multiple submitters, no conflicts (2 of 4 stars). 3 submissions from 3 submitters: Uncertain significance (3). Last evaluated 2025-06-17.

Conditions:
Inborn genetic diseases. Identifiers: MedGen C0950123, MeSH D030342.
Gordon syndrome (DA3). Also called: Gordon's syndrome; ARTHROGRYPOSIS MULTIPLEX CONGENITA, DISTAL, TYPE IIA; CAMPTODACTYLY, CLEFT PALATE, AND CLUBFOOT. Identifiers: Orphanet 376, MedGen C0220666, MONDO:0007252, OMIM 114300.

gnomAD v4.1: 26 of 1,537,440 alleles (0.0017%); highest among the groups gnomAD compares: East Asian, 0.0073%; no homozygotes.

Submissions (3):

Ambry Genetics
Classification: Uncertain significance for Inborn genetic diseases. Last evaluated: 2025-06-17. Review status: criteria provided, single submitter. Criteria: Ambry Variant Classification Scheme 2023. Collection method: clinical testing. Allele origin: germline.

Victorian Clinical Genetics Services, Murdoch Childrens Research Institute
Classification: Uncertain significance for Gordon syndrome. Last evaluated: 2023-07-16. Review status: criteria provided, single submitter. Criteria: ACMG Guidelines, 2015. Collection method: clinical testing. Allele origin: germline. Affected: yes.
Comment: Based on the classification scheme VCGS_Germline_v1.3.4, this variant is classified as VUS-3C. Following criteria are met: 0103 - Loss of function and gain of function are known mechanisms of disease in this gene and are associated with arthrogryposis. Loss of function has generally been shown to be caused by NMD variants, whereas gain of function has generally been associated with missense variants clustered in the C-terminal (PMID: 30988732). (I) 0108 - This gene is associated with both recessive and dominant disease. NMD variants are associated with recessive disease, while missense variants are associated with dominant disease (PMID: 30988732). The phenotypes have been recently regarded as etiologically related (PMID: 24726473). (I) 0200 - Variant is predicted to result in a missense amino acid change from glutamic acid to glutamine. (I) 0251 - This variant is heterozygous. (I) 0304 - Variant is present in gnomAD <0.01 (v2: 1 heterozygote, 0 homozygotes). (SP) 0309 - An alternative amino acid change at the same position has been observed in gnomAD (v2 and 3: 15 heterozygotes, 1 homozygote). (I) 0503 - Missense variant consistently predicted to be tolerated by multiple in silico tools or not conserved in placental mammals with a minor amino acid change. (SB) 0604 - Variant is not located in an established domain, motif, hotspot or informative constraint region. (I) 0705 - No comparable missense variants have previous evidence for pathogenicity. (I) 0807 - This variant has no previous evidence of pathogenicity. (I) 0905 - No published segregation evidence has been identified for this variant. (I) 1007 - No published functional evidence has been identified for this variant. (I) 1208 - Inheritance information for this variant is not currently available in this individual. (I) Legend: (SP) - Supporting pathogenic, (I) - Information, (SB) - Supporting benign

Labcorp Genetics (formerly Invitae), Labcorp
Classification: Uncertain significance. Last evaluated: 2023-05-05. Review status: criteria provided, single submitter. Criteria: Invitae Variant Classification Sherloc (09022015). Collection method: clinical testing. Allele origin: germline.
Comment: In summary, the available evidence is currently insufficient to determine the role of this variant in disease. Therefore, it has been classified as a Variant of Uncertain Significance. Advanced modeling of protein sequence and biophysical properties (such as structural, functional, and spatial information, amino acid conservation, physicochemical variation, residue mobility, and thermodynamic stability) performed at Invitae indicates that this missense variant is not expected to disrupt PIEZO2 protein function. This variant has not been reported in the literature in individuals affected with PIEZO2-related conditions. This variant is present in population databases (rs369232281, gnomAD 0.004%). This sequence change replaces glutamic acid, which is acidic and polar, with glutamine, which is neutral and polar, at codon 884 of the PIEZO2 protein (p.Glu884Gln).

Literature cited by the submitters: PubMed 24726473 (cited by Victorian Clinical Genetics Services, Murdoch Childrens Research Institute); PubMed 30988732 (cited by Victorian Clinical Genetics Services, Murdoch Childrens Research Institute).